The following is an entry in ClinVar:

NM_000518.5(HBB):c.327C>T (p.Asn109=)

Genes: HBB (hemoglobin subunit beta; minus strand), LOC107133510 (origin of replication at HBB; plus strand), LOC110006319 (beta-globin gene 3' regulatory region; plus strand). Cytogenetic location: 11p15.4.
Variant type: single nucleotide variant.
Coding change: c.327C>T on transcript NM_000518.5 (MANE Select); coding-DNA position 327, C replaced by T.
Protein change: p.Asn109=; no amino-acid change (asparagine 109 retained).
Molecular consequence: synonymous variant.
Genome position (GRCh38, 1-based): chr11:5,225,715, G>A on the plus strand (C>T on the coding strand, the complement: HBB is on the minus strand). VCF-style: chr11-5225715-G-A. GRCh37 (hg19) VCF-style: chr11-5246945-G-A.
Identifiers: ClinVar variation 495997 (VCV000495997.14), dbSNP rs34933751, ClinGen allele CA5839700.
Genomic context (GRCh38, chr11:5,225,715, plus strand): 5'-AGCCTGCACTGGTGGGGTGAATTCTTTGCCAAAGTGATGGGCCAGCACACAGACCAGCAC[G>A]TTGCCCAGGAGCTGTGGGAGGAAGATAAGAGGTATGAACATGATTAGCAAAAGGGCCTAG-3'
Protein context (NP_000509.1, residues 99-119): VDPENFRLLG[Asn109=]VLVCVLAHHF

ClinVar aggregate classification (germline): Likely benign. Review status: criteria provided, multiple submitters, no conflicts (2 of 4 stars). 4 submissions from 4 submitters: Likely benign (3). 1 of the submissions does not count toward it. Last evaluated 2025-12-03.

Conditions:
beta Thalassemia (BTHAL). Also called: Cooley's anemia; Erythroblastic anemia; Mediterranean anemia. Identifiers: Orphanet 848, MedGen C0005283, MONDO:0019402. Disease mechanism: loss of function.

Allele frequency attached by ClinVar (database versions not stated): ExAC 0.00001; gnomAD 0.00001; gnomAD exomes 0.00001 and 0.00002; TOPMed 0.00002.
gnomAD v4.1: 30 of 1,613,936 alleles (0.0019%); highest among the groups gnomAD compares: Middle Eastern, 0.016%; no homozygotes.

Submissions (4):

Labcorp Genetics (formerly Invitae), Labcorp
Classification: Likely benign. Last evaluated: 2025-12-03. Review status: criteria provided, single submitter. Criteria: Invitae Variant Classification Sherloc (09022015). Collection method: clinical testing. Allele origin: germline.

Quest Diagnostics Nichols Institute San Juan Capistrano
Classification: Likely benign. Last evaluated: 2025-09-11. Review status: criteria provided, single submitter. Criteria: Quest Diagnostics criteria. Collection method: clinical testing. Allele origin: unknown.

Women's Health and Genetics/Laboratory Corporation of America, LabCorp
Classification: Likely benign. Last evaluated: 2021-09-08. Review status: criteria provided, single submitter. Criteria: LabCorp Variant Classification Summary - May 2015. Collection method: clinical testing. Allele origin: germline.
Comment: Variant summary: HBB c.327C>T alters a non-conserved nucleotide resulting in a synonymous change. 4/4 computational tools predict no significant impact on normal splicing. However, these predictions have yet to be confirmed by functional studies. The variant allele was found at a frequency of 8e-06 in 251212 control chromosomes. The available data on variant occurrences in the general population are insufficient to allow any conclusion about variant significance. To our knowledge, no occurrence of c.327C>T in individuals affected with Beta Thalassemia and no experimental evidence demonstrating its impact on protein function have been reported. One clinical diagnostic laboratory has submitted clinical-significance assessments for this variant to ClinVar after 2014 without evidence for independent evaluation, and classified the variant as likely benign. Based on the evidence outlined above, the variant was classified as likely benign.

Natera, Inc.
Classification: Likely benign for Beta thalassemia. Last evaluated: 2021-02-19. Review status: no assertion criteria provided. Collection method: clinical testing. Allele origin: germline. Not counted in ClinVar's aggregate classification.

Literature cited by the submitters: PubMed 39920831 (cited by Quest Diagnostics Nichols Institute San Juan Capistrano).